The following is an entry in ClinVar:

ClinVar aggregate classification (germline): Likely benign. Review status: criteria provided, multiple submitters, no conflicts (2 of 4 stars). 2 submissions from 2 submitters: Likely benign (2). Last evaluated 2025-09-01.

Conditions:
Ehlers-Danlos syndrome, dermatosparaxis type. Also called: Ehlers-Danlos syndrome, type VII, autosomal recessive; EDS VIIC; Dermatosparaxis. Identifiers: Orphanet 1901, MedGen C2700425, MONDO:0009161, OMIM 225410.

Allele frequency attached by ClinVar (database versions not stated): gnomAD exomes 0.00002; ExAC 0.00003.
gnomAD v4.1: 4 of 1,609,882 alleles (0.00025%); highest among the groups gnomAD compares: East Asian, 0.0067%; no homozygotes.

Submissions (2):

CeGaT Center for Human Genetics Tuebingen
Classification: Likely benign. Last evaluated: 2025-09-01. Review status: criteria provided, single submitter. Criteria: CeGaT Center For Human Genetics Tuebingen Variant Classification Criteria Version 2. Collection method: clinical testing. Allele origin: germline. Affected: yes. Observed: 1 variant allele.
Comment: ADAMTS2: BP4, BP7

Labcorp Genetics (formerly Invitae), Labcorp
Classification: Likely benign for Ehlers-Danlos syndrome, dermatosparaxis type. Last evaluated: 2023-04-11. Review status: criteria provided, single submitter. Criteria: Invitae Variant Classification Sherloc (09022015). Collection method: clinical testing. Allele origin: germline.

NM_014244.5(ADAMTS2):c.678C>G (p.Ala226=)

Gene: ADAMTS2 (ADAM metallopeptidase with thrombospondin type 1 motif 2; minus strand). Cytogenetic location: 5q35.3.
Variant type: single nucleotide variant.
Coding change: c.678C>G on transcript NM_014244.5 (MANE Select); coding-DNA position 678, C replaced by G.
Protein change: p.Ala226=; no amino-acid change (alanine 226 retained).
Molecular consequence: synonymous variant.
Genome position (GRCh38, 1-based): chr5:179,272,921, G>C on the plus strand (C>G on the coding strand, the complement: ADAMTS2 is on the minus strand). VCF-style: chr5-179272921-G-C. GRCh37 (hg19) VCF-style: chr5-178699922-G-C.
Other names: c.678C>G, p.Ala226= (NM_021599.4).
Identifiers: ClinVar variation 1111994 (VCV001111994.16), dbSNP rs766547415, ClinGen allele CA3596231.
Genomic context (GRCh38, chr5:179,272,921, plus strand): 5'-AGGGCCTCAGAGGGCTCTCCACACAGCCTGCCCACCTGCAGTAGCCTCACCTGTGTCCAG[G>C]GCCTGTGGCCCCCCGAGAGGAGGGGACGTGGGTGGCCGGCGATACACCACATGCACACGG-3'
Protein context (NP_055059.2, residues 216-236): PTSPPLGGPQ[Ala226=]LDTGASLDSL